The following is an entry in ClinVar:

NM_004984.4(KIF5A):c.2681A>T (p.Gln894Leu)

Gene: KIF5A (kinesin family member 5A; plus strand). Cytogenetic location: 12q13.3.
Variant type: single nucleotide variant.
Coding change: c.2681A>T on transcript NM_004984.4 (MANE Select); coding-DNA position 2681, A replaced by T.
Protein change: p.Gln894Leu; replaces glutamine 894 with leucine.
Molecular consequence: missense variant.
Genome position (GRCh38, 1-based): chr12:57,581,098, A>T. VCF-style: chr12-57581098-A-T. GRCh37 (hg19) VCF-style: chr12-57974881-A-T.
Other names: c.2414A>T, p.Gln805Leu (NM_001354705.2); short protein forms Q805L, Q894L.
Identifiers: ClinVar variation 653563 (VCV000653563.8), dbSNP rs1192823802, ClinGen allele CA385515277.
Genomic context (GRCh38, chr12:57,581,098, plus strand): 5'-CCCTGGAGGGTGCACTGAAGGAGGCCAAGGAGGGCGCCATGAAGGACAAGCGCCGGTACC[A>T]GCAGGAGGTGGACCGCATCAAGGAGGCCGTTCGCTACAAGAGCTCGGGCAAACGGGGCCA-3'
Protein context (NP_004975.2, residues 884-904): EGAMKDKRRY[Gln894Leu]QEVDRIKEAV

ClinVar aggregate classification (germline): Uncertain significance (1 of 4 stars; one submission).

Conditions:
Spastic paraplegia. Identifiers: MedGen C0037772, HP:0001258.

Allele frequency attached by ClinVar (database versions not stated): TOPMed below 0.00001; gnomAD 0.00001; gnomAD exomes 0.00001.
gnomAD v4.1: 9 of 1,614,084 alleles (0.00056%); highest among the groups gnomAD compares: Non-Finnish European, 0.00076%; no homozygotes.

Submission:

Labcorp Genetics (formerly Invitae), Labcorp
Classification: Uncertain significance for Spastic paraplegia. Last evaluated: 2018-12-07. Review status: criteria provided, single submitter. Criteria: Invitae Variant Classification Sherloc (09022015). Collection method: clinical testing. Allele origin: germline.
Comment: This variant has not been reported in the literature in individuals with KIF5A-related conditions. In summary, the available evidence is currently insufficient to determine the role of this variant in disease. Therefore, it has been classified as a Variant of Uncertain Significance. Algorithms developed to predict the effect of missense changes on protein structure and function (SIFT, PolyPhen-2, Align-GVGD) all suggest that this variant is likely to be disruptive, but these predictions have not been confirmed by published functional studies and their clinical significance is uncertain. This variant is not present in population databases (ExAC no frequency). This sequence change replaces glutamine with leucine at codon 894 of the KIF5A protein (p.Gln894Leu). The glutamine residue is highly conserved and there is a moderate physicochemical difference between glutamine and leucine.